The following is an entry in ClinVar:

NM_017534.6(MYH2):c.3950A>C (p.Gln1317Pro)

Genes: MYH2 (myosin heavy chain 2; minus strand), MYHAS (myosin heavy chain gene cluster antisense RNA; plus strand). Cytogenetic location: 17p13.1.
Variant type: single nucleotide variant.
Coding change: c.3950A>C on transcript NM_017534.6 (MANE Select); coding-DNA position 3950, A replaced by C.
Protein change: p.Gln1317Pro; replaces glutamine 1317 with proline.
Molecular consequence: missense variant.
Genome position (GRCh38, 1-based): chr17:10,526,978, T>G on the plus strand (A>C on the coding strand, the complement: MYH2 is on the minus strand). VCF-style: chr17-10526978-T-G. GRCh37 (hg19) VCF-style: chr17-10430295-T-G.
Other names: c.3950A>C, p.Gln1317Pro (NM_001100112.2); c.3950A>C (NM_017534.5); short protein forms Q1317P.
Identifiers: ClinVar variation 1497300 (VCV001497300.9), dbSNP rs1380534578, ClinGen allele CA398129000.

ClinVar aggregate classification (germline): Uncertain significance. Review status: criteria provided, multiple submitters, no conflicts (2 of 4 stars). 2 submissions from 2 submitters: Uncertain significance (2). Last evaluated 2025-02-25.

Conditions:
Myopathy, proximal, and ophthalmoplegia (CMYO6). Also called: MYOPATHY WITH CONGENITAL JOINT CONTRACTURES, OPHTHALMOPLEGIA, AND RIMMED VACUOLES; CONGENITAL MYOPATHY 6 WITH OPHTHALMOPLEGIA; INCLUSION BODY MYOPATHY 3, AUTOSOMAL DOMINANT. Identifiers: Orphanet 363677, Orphanet 79091, MedGen C1854106, MONDO:0011577, OMIM 605637.

Allele frequency attached by ClinVar (database versions not stated): gnomAD exomes below 0.00001; TOPMed below 0.00001; gnomAD 0.00001.
gnomAD v4.1: 2 of 1,614,110 alleles (0.00012%); highest among the groups gnomAD compares: African/African-American, 0.0013%; no homozygotes.

Submissions (2):

Labcorp Genetics (formerly Invitae), Labcorp
Classification: Uncertain significance for Myopathy, proximal, and ophthalmoplegia. Last evaluated: 2025-02-25. Review status: criteria provided, single submitter. Criteria: Invitae Variant Classification Sherloc (09022015). Collection method: clinical testing. Allele origin: germline.
Comment: This sequence change replaces glutamine, which is neutral and polar, with proline, which is neutral and non-polar, at codon 1317 of the MYH2 protein (p.Gln1317Pro). This variant is present in population databases (no rsID available, gnomAD 0.007%). This variant has not been reported in the literature in individuals affected with MYH2-related conditions. ClinVar contains an entry for this variant (Variation ID: 1497300). Invitae Evidence Modeling of protein sequence and biophysical properties (such as structural, functional, and spatial information, amino acid conservation, physicochemical variation, residue mobility, and thermodynamic stability) indicates that this missense variant is expected to disrupt MYH2 protein function with a positive predictive value of 80%. In summary, the available evidence is currently insufficient to determine the role of this variant in disease. Therefore, it has been classified as a Variant of Uncertain Significance.

Revvity Omics, Revvity
Classification: Uncertain significance for Myopathy, proximal, and ophthalmoplegia. Last evaluated: 2019-07-23. Review status: criteria provided, single submitter. Criteria: ACMG Guidelines, 2015. Collection method: clinical testing. Allele origin: germline.